The following is an entry in ClinVar:

NM_052867.4(NALCN):c.4949G>A (p.Arg1650Gln)

Genes: NALCN (sodium leak channel, non-selective; minus strand), NALCN-AS1 (NALCN antisense RNA 1; plus strand). Cytogenetic location: 13q32.3.
Variant type: single nucleotide variant.
Coding change: c.4949G>A on transcript NM_052867.4 (MANE Select); coding-DNA position 4949, G replaced by A.
Protein change: p.Arg1650Gln; replaces arginine 1650 with glutamine.
Molecular consequence: missense variant. On other transcripts: non-coding transcript variant (1).
Genome position (GRCh38, 1-based): chr13:101,058,013, C>T on the plus strand (G>A on the coding strand, the complement: NALCN is on the minus strand). VCF-style: chr13-101058013-C-T. GRCh37 (hg19) VCF-style: chr13-101710365-C-T.
Other names: c.5036G>A, p.Arg1679Gln (NM_001350748.2); c.4949G>A, p.Arg1650Gln (NM_001350749.2); c.4862G>A, p.Arg1621Gln (NM_001350750.2, NM_001350751.2); short protein forms R1650Q, R1679Q, R1621Q.
Identifiers: ClinVar variation 1910374 (VCV001910374.5), dbSNP rs970102740, ClinGen allele CA388643868.

ClinVar aggregate classification (germline): Uncertain significance (1 of 4 stars; one submission).

gnomAD v4.1: 8 of 1,613,632 alleles (0.0005%); highest among the groups gnomAD compares: South Asian, 0.0033%; no homozygotes.

Submission:

Labcorp Genetics (formerly Invitae), Labcorp
Classification: Uncertain significance. Last evaluated: 2022-06-18. Review status: criteria provided, single submitter. Criteria: Invitae Variant Classification Sherloc (09022015). Collection method: clinical testing. Allele origin: germline.
Comment: This variant is present in population databases (no rsID available, gnomAD 0.007%). This sequence change replaces arginine, which is basic and polar, with glutamine, which is neutral and polar, at codon 1650 of the NALCN protein (p.Arg1650Gln). This variant has not been reported in the literature in individuals affected with NALCN-related conditions. In summary, the available evidence is currently insufficient to determine the role of this variant in disease. Therefore, it has been classified as a Variant of Uncertain Significance. Advanced modeling of protein sequence and biophysical properties (such as structural, functional, and spatial information, amino acid conservation, physicochemical variation, residue mobility, and thermodynamic stability) performed at Invitae indicates that this missense variant is not expected to disrupt NALCN protein function.